The following is an entry in ClinVar:

NM_016373.4(WWOX):c.779C>T (p.Ser260Leu)

Gene: WWOX (WW domain containing oxidoreductase; plus strand). Cytogenetic location: 16q23.1.
Variant type: single nucleotide variant.
Coding change: c.779C>T on transcript NM_016373.4 (MANE Select); coding-DNA position 779, C replaced by T.
Protein change: p.Ser260Leu; replaces serine 260 with leucine.
Molecular consequence: missense variant.
Genome position (GRCh38, 1-based): chr16:78,425,043, C>T. VCF-style: chr16-78425043-C-T. GRCh37 (hg19) VCF-style: chr16-78458940-C-T.
Other names: c.440C>T, p.Ser147Leu (NM_001291997.2); short protein forms S147L, S260L.
Identifiers: ClinVar variation 2940527 (VCV002940527.3), dbSNP rs878855021, ClinGen allele CA396842986.
Genomic context (GRCh38, chr16:78,425,043, plus strand): 5'-TCCAGCTCCTCCAGGATGTTTTGTGCCGCTCAGCTCCTGCCCGTGTCATTGTGGTCTCCT[C>T]AGAGTCCCATCGGTGGGTTTGAATTGCATATTTGTTCACTTATCCCCTTTCTCATACCAG-3'
Protein context (NP_057457.1, residues 250-270): SAPARVIVVS[Ser260Leu]ESHRFTDIND

ClinVar aggregate classification (germline): Uncertain significance (1 of 4 stars; one submission).

Conditions:
Developmental and epileptic encephalopathy, 1 (DEE1). Also called: INFANTILE SPASM SYNDROME, X-LINKED 1; X-linked infantile spasms; West's syndrome; Tonic spasms with clustering, arrest of psychomotor development and hypsarrhythmia on EEG; X-Linked Infantile Spasm Syndrome; OHTAHARA SYNDROME, X-LINKED. Identifiers: MedGen C3463992, MONDO:0010632, OMIM 308350. Disease mechanism: loss of function.
Autosomal recessive spinocerebellar ataxia 12. Also called: SPINOCEREBELLAR ATAXIA WITH MENTAL RETARDATION AND EPILEPSY. Identifiers: Orphanet 284282, MedGen C3280452, MONDO:0013687, OMIM 614322.

gnomAD v4.1: 1 of 1,613,862 alleles (0.000062%); highest among the groups gnomAD compares: Non-Finnish European, 0.000085%; no homozygotes.

Submission:

Labcorp Genetics (formerly Invitae), Labcorp
Classification: Uncertain significance for Developmental and epileptic encephalopathy, 1; Autosomal recessive spinocerebellar ataxia 12. Last evaluated: 2023-10-22. Review status: criteria provided, single submitter. Criteria: Invitae Variant Classification Sherloc (09022015). Collection method: clinical testing. Allele origin: germline.
Comment: This sequence change replaces serine, which is neutral and polar, with leucine, which is neutral and non-polar, at codon 260 of the WWOX protein (p.Ser260Leu). This variant is not present in population databases (gnomAD no frequency). This variant has not been reported in the literature in individuals affected with WWOX-related conditions. Advanced modeling of protein sequence and biophysical properties (such as structural, functional, and spatial information, amino acid conservation, physicochemical variation, residue mobility, and thermodynamic stability) performed at Invitae indicates that this missense variant is expected to disrupt WWOX protein function. In summary, the available evidence is currently insufficient to determine the role of this variant in disease. Therefore, it has been classified as a Variant of Uncertain Significance.